The following is an entry in ClinVar:

ClinVar aggregate classification (germline): Likely benign (0 of 4 stars; one submission).

Conditions:
IRF2BPL-related disorder. Also called: IRF2BPL-related condition. Identifiers: MedGen CN381093.

Allele frequency attached by ClinVar (database versions not stated): gnomAD 0.00004; TOPMed 0.00009.
gnomAD v4.1: 14 of 1,487,756 alleles (0.00094%); highest among the groups gnomAD compares: African/African-American, 0.0093%; no homozygotes.

Submission:

PreventionGenetics, part of Exact Sciences
Classification: Likely benign for IRF2BPL-related condition. Last evaluated: 2022-06-28. Review status: no assertion criteria provided. Collection method: clinical testing. Allele origin: germline.
Comment: This variant is classified as likely benign based on ACMG/AMP sequence variant interpretation guidelines (Richards et al. 2015 PMID: 25741868, with internal and published modifications).

NM_024496.4(IRF2BPL):c.405C>T (p.Ser135=)

Gene: IRF2BPL (interferon regulatory factor 2 binding protein like; minus strand). Cytogenetic location: 14q24.3.
Variant type: single nucleotide variant.
Coding change: c.405C>T on transcript NM_024496.4 (MANE Select); coding-DNA position 405, C replaced by T.
Protein change: p.Ser135=; no amino-acid change (serine 135 retained).
Molecular consequence: synonymous variant.
Genome position (GRCh38, 1-based): chr14:77,027,388, G>A on the plus strand (C>T on the coding strand, the complement: IRF2BPL is on the minus strand). VCF-style: chr14-77027388-G-A. GRCh37 (hg19) VCF-style: chr14-77493731-G-A.
Identifiers: ClinVar variation 3046037 (VCV003046037.2), dbSNP rs910829814, ClinGen allele CA263779247.
Genomic context (GRCh38, chr14:77,027,388, plus strand): 5'-GGCGGCAGCGCTTAGGCCGTAGCGCTCCAGGCCAGACGGGGCCGCCAGCACCGCAGGCTT[G>A]CTGGAACCATCAACGTGGTTGAGCTGTTGTTGCTGCTGCTGCTGCTGCTGCTGCTGCTGC-3'
Protein context (NP_078772.1, residues 125-145): QQQLNHVDGS[Ser135=]KPAVLAAPSG